The following is an entry in ClinVar:

ClinVar aggregate classification (germline): Uncertain significance (1 of 4 stars; one submission).

Conditions:
Congenital contractural arachnodactyly (CCA). Also called: BEALS SYNDROME; Arthrogryposis, distal, type 9; Beals-Hecht syndrome. Identifiers: Orphanet 115, MedGen C0220668, MONDO:0007363, OMIM 121050.

Submission:

Labcorp Genetics (formerly Invitae), Labcorp
Classification: Uncertain significance for Congenital contractural arachnodactyly. Last evaluated: 2022-03-25. Review status: criteria provided, single submitter. Criteria: Invitae Variant Classification Sherloc (09022015). Collection method: clinical testing. Allele origin: germline.
Comment: Advanced modeling of protein sequence and biophysical properties (such as structural, functional, and spatial information, amino acid conservation, physicochemical variation, residue mobility, and thermodynamic stability) performed at Invitae indicates that this missense variant is not expected to disrupt FBN2 protein function. In summary, the available evidence is currently insufficient to determine the role of this variant in disease. Therefore, it has been classified as a Variant of Uncertain Significance. This variant has not been reported in the literature in individuals affected with FBN2-related conditions. This variant is not present in population databases (gnomAD no frequency). This sequence change replaces asparagine, which is neutral and polar, with threonine, which is neutral and polar, at codon 546 of the FBN2 protein (p.Asn546Thr).

NM_001999.4(FBN2):c.1637A>C (p.Asn546Thr)

Gene: FBN2 (fibrillin 2; minus strand). Cytogenetic location: 5q23.3.
Variant type: single nucleotide variant.
Coding change: c.1637A>C on transcript NM_001999.4 (MANE Select); coding-DNA position 1637, A replaced by C.
Protein change: p.Asn546Thr; replaces asparagine 546 with threonine.
Molecular consequence: missense variant.
Genome position (GRCh38, 1-based): chr5:128,378,857, T>G on the plus strand (A>C on the coding strand, the complement: FBN2 is on the minus strand). VCF-style: chr5-128378857-T-G. GRCh37 (hg19) VCF-style: chr5-127714550-T-G.
Other names: short protein forms N546T.
Identifiers: ClinVar variation 2116679 (VCV002116679.4), dbSNP rs2479391006, ClinGen allele CA360743878.